The following is an entry in ClinVar:

ClinVar aggregate classification (germline): Likely pathogenic (1 of 4 stars; one submission).

Conditions:
Hyperammonemia, type III (NAGSD). Also called: Hyperammonemia due to N-acetylglutamate synthase deficiency. Identifiers: Orphanet 927, MedGen C0268543, MONDO:0009377, OMIM 237310.

Allele frequency attached by ClinVar (database versions not stated): TOPMed 0.00002.

Submission:

Labcorp Genetics (formerly Invitae), Labcorp
Classification: Likely pathogenic for Hyperammonemia, type III. Last evaluated: 2024-10-29. Review status: criteria provided, single submitter. Criteria: Invitae Variant Classification Sherloc (09022015). Collection method: clinical testing. Allele origin: germline.
Comment: This sequence change affects a donor splice site in intron 3 of the NAGS gene. It is expected to disrupt RNA splicing. Variants that disrupt the donor or acceptor splice site typically lead to a loss of protein function (PMID: 16199547), and loss-of-function variants in NAGS are known to be pathogenic (PMID: 12594532). This variant is not present in population databases (gnomAD no frequency). This variant has not been reported in the literature in individuals affected with NAGS-related conditions. ClinVar contains an entry for this variant (Variation ID: 2856746). Algorithms developed to predict the effect of sequence changes on RNA splicing suggest that this variant may disrupt the consensus splice site. In summary, the currently available evidence indicates that the variant is pathogenic, but additional data are needed to prove that conclusively. Therefore, this variant has been classified as Likely Pathogenic.

Literature cited by the submitters: PubMed 16199547; PubMed 12594532.

NM_153006.3(NAGS):c.915+2T>C

Gene: NAGS (N-acetylglutamate synthase; plus strand). Cytogenetic location: 17q21.31.
Variant type: single nucleotide variant.
Coding change: c.915+2T>C on transcript NM_153006.3 (MANE Select); the canonical splice donor site of the intron after coding-DNA position 915, T replaced by C.
Molecular consequence: splice donor variant.
Genome position (GRCh38, 1-based): chr17:44,006,239, T>C. VCF-style: chr17-44006239-T-C. GRCh37 (hg19) VCF-style: chr17-42083607-T-C.
Identifiers: ClinVar variation 2856746 (VCV002856746.3), dbSNP rs2049089565, ClinGen allele CA399725964.